The following is an entry in ClinVar:

NM_033380.3(COL4A5):c.3943-1G>C

Gene: COL4A5 (collagen type IV alpha 5 chain; plus strand). Cytogenetic location: Xq22.3.
Variant type: single nucleotide variant.
Coding change: c.3943-1G>C on transcript NM_033380.3 (MANE Select); the canonical splice acceptor site of the intron before coding-DNA position 3943, G replaced by C.
Molecular consequence: splice acceptor variant.
Genome position (GRCh38, 1-based): chrX:108,680,678, G>C. VCF-style: chrX-108680678-G-C. GRCh37 (hg19) VCF-style: chrX-107923908-G-C.
Other names: c.3925-1G>C (NM_000495.5).
Identifiers: ClinVar variation 3775107 (VCV003775107.1).
Genomic context (GRCh38, chrX:108,680,678, plus strand): 5'-TCAATCACCTTCCTCCCCTCGCTGCAATTTTTTTGTAACATTAATGATTTTATTTATTCA[G>C]GGTAATCCTGGCCGGCCGGGTCTCAATGGAATGAAAGGAGATCCTGGTCTCCCTGGTGTT-3'

ClinVar aggregate classification (germline): Likely pathogenic (1 of 4 stars; one submission).

Conditions:
X-linked Alport syndrome (ATS1). Also called: NEPHROPATHY AND DEAFNESS, X-LINKED; COL4A5-Related Nephropathy. Identifiers: Orphanet 63, Orphanet 88917, MedGen C4746986, MONDO:0010520, OMIM 301050.

Submission:

Clinical Genomics Laboratory, Stanford Medicine
Classification: Likely pathogenic for X-linked Alport syndrome. Last evaluated: 2022-09-09. Review status: criteria provided, single submitter. Criteria: ACMG Guidelines, 2015. Collection method: clinical testing. Allele origin: germline. Inheritance: X-linked inheritance. Affected: yes. Observed: 1 variant allele, 1 hemizygote.
Comment: The c.3943-1G>C variant in the COL4A5 gene has not been previously reported in association with disease. This variant was absent from large population databases, including the Genome Aggregation Database. This variant alters the canonical acceptor splice site in intron 42, which is predicted to result in abnormal gene splicing. Loss of function is an established mechanism of disease for the COL4A5 gene. These data were assessed using the ACMG/AMP variant interpretation guidelines. In summary, there is sufficient evidence to classify the c.3943-1G>C variant as likely pathogenic for Alport syndrome in an X-linked manner based on the information above. [ACMG evidence codes used: PVS1; PM2]